The following is an entry in ClinVar:

NM_001321120.2(TBX4):c.749G>A (p.Arg250Gln)

Gene: TBX4 (T-box transcription factor 4; plus strand). Cytogenetic location: 17q23.2.
Variant type: single nucleotide variant.
Coding change: c.749G>A on transcript NM_001321120.2 (MANE Select); coding-DNA position 749, G replaced by A.
Protein change: p.Arg250Gln; replaces arginine 250 with glutamine.
Molecular consequence: missense variant.
Genome position (GRCh38, 1-based): chr17:61,479,927, G>A. VCF-style: chr17-61479927-G-A. GRCh37 (hg19) VCF-style: chr17-59557288-G-A.
Other names: c.749G>A, p.Arg250Gln (NM_018488.3, LRG_1206t1); short protein forms R250Q.
Identifiers: ClinVar variation 548696 (VCV000548696.5), dbSNP rs1555883469, ClinGen allele CA400473885.

ClinVar aggregate classification (germline): Conflicting classifications of pathogenicity. Review status: criteria provided, conflicting classifications (1 of 4 stars). 2 submissions from 2 submitters: Likely pathogenic (1); Uncertain significance (1). Last evaluated 2023-02-14.

Conditions:
Pulmonary arterial hypertension associated with congenital heart disease. Identifiers: Orphanet 275803, MedGen C3697119, MONDO:0017152.

Submissions (2):

Labcorp Genetics (formerly Invitae), Labcorp
Classification: Likely pathogenic. Last evaluated: 2023-02-14. Review status: criteria provided, single submitter. Criteria: Invitae Variant Classification Sherloc (09022015). Collection method: clinical testing. Allele origin: germline.
Comment: This sequence change replaces arginine, which is basic and polar, with glutamine, which is neutral and polar, at codon 250 of the TBX4 protein (p.Arg250Gln). This variant is not present in population databases (gnomAD no frequency). This missense change has been observed in individual(s) with congenital heart disease (PMID: 30029678). ClinVar contains an entry for this variant (Variation ID: 548696). Advanced modeling of protein sequence and biophysical properties (such as structural, functional, and spatial information, amino acid conservation, physicochemical variation, residue mobility, and thermodynamic stability) performed at Invitae indicates that this missense variant is expected to disrupt TBX4 protein function. This variant disrupts the p.Arg250 amino acid residue in TBX4. Other variant(s) that disrupt this residue have been determined to be pathogenic (PMID: 23592887, 29120062). This suggests that this residue is clinically significant, and that variants that disrupt this residue are likely to be disease-causing. In summary, the currently available evidence indicates that the variant is pathogenic, but additional data are needed to prove that conclusively. Therefore, this variant has been classified as Likely Pathogenic.

Wendy Chung Laboratory, Boston Children's Hospital
Classification: Uncertain significance for Pulmonary arterial hypertension associated with congenital heart disease. Last evaluated: 2018-06-27. Review status: criteria provided, single submitter. Criteria: ACMG Guidelines, 2015. Collection method: case-control. Allele origin: unknown. Affected: yes. Observed: 1 variant allele.

Literature cited by the submitters: PubMed 30029678 (cited by Labcorp Genetics (formerly Invitae), Labcorp and Wendy Chung Laboratory, Boston Children's Hospital); PubMed 23592887 (cited by Labcorp Genetics (formerly Invitae), Labcorp); PubMed 29120062 (cited by Labcorp Genetics (formerly Invitae), Labcorp).